The following is an entry in ClinVar:

NM_000341.4(SLC3A1):c.862C>T (p.Arg288Cys)

Gene: SLC3A1 (solute carrier family 3 member 1; plus strand). Cytogenetic location: 2p21.
Variant type: single nucleotide variant.
Coding change: c.862C>T on transcript NM_000341.4 (MANE Select); coding-DNA position 862, C replaced by T.
Protein change: p.Arg288Cys; replaces arginine 288 with cysteine.
Molecular consequence: missense variant.
Genome position (GRCh38, 1-based): chr2:44,286,128, C>T. VCF-style: chr2-44286128-C-T. GRCh37 (hg19) VCF-style: chr2-44513267-C-T.
Other names: short protein forms R288C.
Identifiers: ClinVar variation 4995844 (VCV004995844.1).

ClinVar aggregate classification (germline): Uncertain significance (1 of 4 stars; one submission).

Conditions:
SLC3A1-related disorder. Also called: SLC3A1-related condition.

gnomAD v4.1: 11 of 1,613,830 alleles (0.00068%); highest among the groups gnomAD compares: African/African-American, 0.0013%; no homozygotes.

Submission:

PreventionGenetics, part of Exact Sciences
Classification: Uncertain significance for SLC3A1-related condition. Last evaluated: 2025-01-16. Review status: criteria provided, single submitter. Criteria: ACMG Guidelines, 2015. Collection method: clinical testing. Allele origin: germline.
Comment: The SLC3A1 c.862C>T variant is predicted to result in the amino acid substitution p.Arg288Cys. To our knowledge, this variant has not been reported in the literature. This variant is reported in 0.0046% of alleles in individuals of European (Finnish) descent in gnomAD. At this time, the clinical significance of this variant is uncertain due to the absence of conclusive functional and genetic evidence.